The following is an entry in ClinVar:

ClinVar aggregate classification (germline): Uncertain significance (1 of 4 stars; one submission).

Conditions:
46,XY sex reversal 9 (SRXY9). Also called: 46,XY SEX REVERSAL, ZFPM2-RELATED. Identifiers: Orphanet 251510, MedGen C4015129, MONDO:0014480, OMIM 616067.

Allele frequency attached by ClinVar (database versions not stated): TOPMed below 0.00001; gnomAD 0.00001; gnomAD exomes 0.00003 and 0.00004; ExAC 0.00006; 1000 Genomes Project 30x 0.00016; 1000 Genomes Project 0.00020.
gnomAD v4.1: 51 of 1,610,630 alleles (0.0032%); highest among the groups gnomAD compares: South Asian, 0.027%; no homozygotes.

Submission:

Labcorp Genetics (formerly Invitae), Labcorp
Classification: Uncertain significance for 46,XY sex reversal 9. Last evaluated: 2021-04-17. Review status: criteria provided, single submitter. Criteria: Invitae Variant Classification Sherloc (09022015). Collection method: clinical testing. Allele origin: germline.
Comment: In summary, the available evidence is currently insufficient to determine the role of this variant in disease. Therefore, it has been classified as a Variant of Uncertain Significance. This variant is present in population databases (rs530517993, ExAC 0.04%). Algorithms developed to predict the effect of missense changes on protein structure and function (SIFT, PolyPhen-2, Align-GVGD) all suggest that this variant is likely to be tolerated, but these predictions have not been confirmed by published functional studies and their clinical significance is uncertain. This variant has not been reported in the literature in individuals with ZFPM2-related conditions. This sequence change replaces threonine with methionine at codon 845 of the ZFPM2 protein (p.Thr845Met). The threonine residue is moderately conserved and there is a moderate physicochemical difference between threonine and methionine.

NM_012082.4(ZFPM2):c.2534C>T (p.Thr845Met)

Genes: ZFPM2 (zinc finger protein, FOG family member 2; plus strand), ZFPM2-AS1 (ZFPM2 antisense RNA 1; minus strand), LOC126860469 (BRD4-independent group 4 enhancer GRCh37_chr8:106814445-106815644; plus strand). Cytogenetic location: 8q23.1.
Variant type: single nucleotide variant.
Coding change: c.2534C>T on transcript NM_012082.4 (MANE Select); coding-DNA position 2534, C replaced by T.
Protein change: p.Thr845Met; replaces threonine 845 with methionine.
Molecular consequence: missense variant.
Genome position (GRCh38, 1-based): chr8:105,802,616, C>T. VCF-style: chr8-105802616-C-T. GRCh37 (hg19) VCF-style: chr8-106814844-C-T.
Other names: c.2375C>T, p.Thr792Met (NM_001362836.2); c.2138C>T, p.Thr713Met (NM_001362837.2); short protein forms T845M, T713M, T792M.
Identifiers: ClinVar variation 1463649 (VCV001463649.8), dbSNP rs530517993, ClinGen allele CA4839922.